The following is an entry in ClinVar:

NM_000283.4(PDE6B):c.2117A>T (p.Lys706Met)

Gene: PDE6B (phosphodiesterase 6B; plus strand). Cytogenetic location: 4p16.3.
Variant type: single nucleotide variant.
Coding change: c.2117A>T on transcript NM_000283.4 (MANE Select); coding-DNA position 2117, A replaced by T.
Protein change: p.Lys706Met; replaces lysine 706 with methionine.
Molecular consequence: missense variant.
Genome position (GRCh38, 1-based): chr4:664,209, A>T. VCF-style: chr4-664209-A-T. GRCh37 (hg19) VCF-style: chr4-657998-A-T.
Other names: p.Lys706Met; c.2117A>T, p.Lys706Met (NM_001145291.2); c.1280A>T, p.Lys427Met (NM_001145292.2, NM_001350154.3, NM_001379246.1 and 1 more transcripts); c.962A>T, p.Lys321Met (NM_001350155.3); short protein forms K321M, K427M, K706M.
Identifiers: ClinVar variation 2445452 (VCV002445452.2), dbSNP rs768325431, ClinGen allele CA355919545.

ClinVar aggregate classification (germline): Uncertain significance (1 of 4 stars; one submission).

Conditions:
Retinitis pigmentosa 40 (RP40). Identifiers: Orphanet 791, MedGen C3151107, MONDO:0013429, OMIM 613801.

Submission:

Foundation for Research in Genetics and Endocrinology, FRIGE's Institute of Human Genetics
Classification: Uncertain significance for Retinitis pigmentosa 40. Last evaluated: 2021-02-19. Review status: criteria provided, single submitter. Criteria: ACMG Guidelines, 2015. Collection method: clinical testing. Allele origin: germline. Inheritance: Autosomal recessive inheritance. Affected: yes. Observed: 1 homozygote.
Comment: A homozygous missense variation in exon 17 of the PDE6B gene that results in the amino acid substitution of Methionine for Lysine at codon 706 was detected. The observed variant c.2117A>T (p.Lys706Met) has not been reported in the 1000 genomes and gnomAD databases. The in silico prediction of the variant is damaging by PolyPhen-2 (HumDiv), SIFT, LRT and MutationTaster2. The reference codon is conserved across mammals. In summary, the variant meets our criteria to be classified as a variant of uncertain significance.